The following is an entry in ClinVar:

ClinVar aggregate classification (germline): Pathogenic (1 of 4 stars; one submission).

Submission:

GeneDx
Classification: Pathogenic. Last evaluated: 2025-06-25. Review status: criteria provided, single submitter. Criteria: GeneDx Variant Classification Process June 2021. Collection method: clinical testing. Allele origin: germline. Affected: yes.
Comment: Nonsense variant predicted to result in protein truncation, as the last 3835 amino acid(s) are lost, and other loss-of-function variants have been reported downstream in HGMD; Not observed at significant frequency in large population cohorts (gnomAD); Has not been previously published as pathogenic or benign to our knowledge; This variant is associated with the following publications: (PMID: 16444271)

NM_002016.2(FLG):c.681G>A (p.Trp227Ter)

Genes: CCDST (cervical cancer associated DHX9 suppressive transcript; plus strand), FLG (filaggrin; minus strand). Cytogenetic location: 1q21.3.
Variant type: single nucleotide variant.
Coding change: c.681G>A on transcript NM_002016.2 (MANE Select); coding-DNA position 681, G replaced by A.
Protein change: p.Trp227Ter; replaces tryptophan 227 with a stop codon.
Molecular consequence: nonsense.
Genome position (GRCh38, 1-based): chr1:152,314,205, C>T on the plus strand (G>A on the coding strand, the complement: FLG is on the minus strand). VCF-style: chr1-152314205-C-T. GRCh37 (hg19) VCF-style: chr1-152286681-C-T.
Other names: short protein forms W227*.
Identifiers: ClinVar variation 4540224 (VCV004540224.1).
Genomic context (GRCh38, chr1:152,314,205, plus strand): 5'-AGTGGTGTCATAGGCTTCATCCTGGATTGTGTAATATGTGGCAATATGGCCTGATTGTAT[C>T]CATTTTTGAGTCATTCTTCCTGTATTTTCATAATCATATACTCCTTCTTCATTGTCTTCT-3'